The following is an entry in ClinVar:

ClinVar aggregate classification (germline): Pathogenic. Review status: reviewed by expert panel (3 of 4 stars). 4 submissions from 4 submitters: Pathogenic (1). 3 of the submissions do not count toward it. Last evaluated 2025-06-24.

Conditions:
Autosomal recessive limb-girdle muscular dystrophy. Identifiers: Orphanet 102015, MedGen C2931907, MONDO:0015152.
Autosomal recessive limb-girdle muscular dystrophy type 2L (LGMDR12). Also called: Limb-girdle muscular dystrophy, type 2L; Limb-Girdle Muscular Dystrophy R12 Anoctamin-5-Related (LGMD-R12); MUSCULAR DYSTROPHY, LIMB-GIRDLE, AUTOSOMAL RECESSIVE 12. Identifiers: Orphanet 206549, MedGen C1969785, MONDO:0012652, OMIM 611307.
Gnathodiaphyseal dysplasia (GDD). Also called: GNATHODIAPHYSEAL SCLEROSIS; OSTEOGENESIS IMPERFECTA WITH UNUSUAL SKELETAL LESIONS. Identifiers: Orphanet 53697, MedGen C1833736, MONDO:0008151, OMIM 166260.

Submissions (4):

ClinGen Limb Girdle Muscular Dystrophy Variant Curation Expert Panel, ClinGen
Classification: Pathogenic for Autosomal recessive limb-girdle muscular dystrophy. Last evaluated: 2025-06-24. Review status: reviewed by expert panel. Criteria: ClinGen LGMD VCEP ACMG Specifications ANO5 V1.0.0. Collection method: curation. Allele origin: germline. Inheritance: Autosomal recessive inheritance.
Comment: The NM_213599.3: c.108_109del p.(Glu36AspfsTer7) variant in ANO5 is a frameshift variant predicted to cause a premature stop codon in biologically relevant exon 3/22, leading to nonsense mediated decay in a gene in which loss of function is an established disease mechanism (PVS1). This variant has been identified in at least two patients with features consistent with ANO5-related muscle disease (PMID: 32367299, 39666917, 30564623; LOVD Individuals #00460288, #00221640), including in unknown phase with a pathogenic ANO5 variant in one patient with hyperCKemia, signs of myopathy on EMG, mitochondrial signs on muscle biopsy, and typical changes on muscle MRI (c.191dup p.(Asn64LysfsTer15), 0.5 pts, PMID: 32367299, 39666917; LOVD Individual #00460288) (PM3_Supporting). At least one patient reported with this variant and a second presumed diagnostic ANO5 variant had a clinical suspicion of LGMD (PMID: 30564623; LOVD Individual #00221640) (PP4). This variant is absent from gnomAD v4.1.0 (PM2_Supporting). In summary, this variant meets the criteria to be classified as Pathogenic for autosomal recessive limb girdle muscular dystrophy based on the ACMG/AMP criteria applied, as specified by the ClinGen LGMD VCEP (LGMD VCEP specifications version 1.0.0; 06/24/2025): PVS1, PM3_Supporting, PP4, PM2_Supporting.

Labcorp Genetics (formerly Invitae), Labcorp
Classification: Pathogenic for Autosomal recessive limb-girdle muscular dystrophy type 2L; Gnathodiaphyseal dysplasia. Last evaluated: 2022-08-09. Review status: criteria provided, single submitter. Criteria: Invitae Variant Classification Sherloc (09022015). Collection method: clinical testing. Allele origin: germline. Not counted in ClinVar's aggregate classification.
Comment: This variant is not present in population databases (gnomAD no frequency). This sequence change creates a premature translational stop signal (p.Glu36Aspfs*7) in the ANO5 gene. It is expected to result in an absent or disrupted protein product. Loss-of-function variants in ANO5 are known to be pathogenic (PMID: 21186264, 23606453, 25891276, 30919934). This premature translational stop signal has been observed in individual(s) with clinical features of autosomal recessive ANO5-related conditions (PMID: 32367299). ClinVar contains an entry for this variant (Variation ID: 288833). For these reasons, this variant has been classified as Pathogenic.

Revvity Omics, Revvity
Classification: Pathogenic. Last evaluated: 2021-04-12. Review status: criteria provided, single submitter. Criteria: ACMG Guidelines, 2015. Collection method: clinical testing. Allele origin: germline. Not counted in ClinVar's aggregate classification.

Eurofins Ntd Llc (ga)
Classification: Pathogenic. Last evaluated: 2016-06-20. Review status: criteria provided, single submitter. Criteria: EGL Classification Definitions 2015. Collection method: clinical testing. Allele origin: germline. Observed: 1 variant allele, 1 heterozygote. Not counted in ClinVar's aggregate classification.

Literature cited by the submitters: PubMed 21186264 (cited by Labcorp Genetics (formerly Invitae), Labcorp); PubMed 23606453 (cited by Labcorp Genetics (formerly Invitae), Labcorp); PubMed 25891276 (cited by Labcorp Genetics (formerly Invitae), Labcorp); PubMed 30919934 (cited by Labcorp Genetics (formerly Invitae), Labcorp); PubMed 32367299 (cited by Labcorp Genetics (formerly Invitae), Labcorp).

NM_213599.3(ANO5):c.108_109del (p.Glu36fs)

Gene: ANO5 (anoctamin 5; plus strand). Cytogenetic location: 11p14.3.
Variant type: Microsatellite.
Coding change: c.108_109del on transcript NM_213599.3 (MANE Select); coding-DNA positions 108 to 109, 2 bases deleted (GA; older notation c.108_109delGA).
Protein change: p.Glu36fs; shifts the reading frame from glutamic acid 36.
Molecular consequence: frameshift variant.
Genome position (GRCh38, 1-based): chr11:22,211,284-22,211,285, GA deleted; deleting any 2 consecutive bases within chr11:22,211,279-22,211,285 gives the same sequence; the c. name uses the placement nearest the transcript's 3' end. VCF-style (leftmost placement, unchanged base first): chr11-22211278-CAG-C. GRCh37 (hg19) VCF-style: chr11-22232824-CAG-C.
Other names: NM_213599.3(ANO5):c.108_109del; p.Glu36fs; c.105_106del, p.Glu35fs (NM_001142649.2); short protein forms E36fs, E35fs.
Identifiers: ClinVar variation 288833 (VCV000288833.15), dbSNP rs886044020, ClinGen allele CA10606240.